The following is an entry in ClinVar:

NM_001379500.1(COL18A1):c.3522_3524del (p.Leu1175del)

Genes: COL18A1 (collagen type XVIII alpha 1 chain; plus strand), SLC19A1 (solute carrier family 19 member 1; minus strand). Cytogenetic location: 21q22.3.
Variant type: Deletion.
Coding change: c.3522_3524del on transcript NM_001379500.1 (MANE Select); coding-DNA positions 3522 to 3524, 3 bases deleted (CCT; older notation c.3522_3524delCCT).
Protein change: p.Leu1175del; deletes leucine 1175.
Molecular consequence: inframe deletion.
Genome position (GRCh38, 1-based): chr21:45,510,090-45,510,092, CCT deleted. VCF-style (leftmost placement, unchanged base first): chr21-45510089-CCCT-C. GRCh37 (hg19) VCF-style: chr21-46930003-CCCT-C.
Other names: c.4053_4055del, p.Leu1352del (NM_030582.4); c.4758_4760del, p.Leu1587del (NM_130444.3); short protein forms L1352del, L1175del, L1587del.
Identifiers: ClinVar variation 2062676 (VCV002062676.4), dbSNP rs2517855655, ClinGen allele CA2580098933.

ClinVar aggregate classification (germline): Uncertain significance (1 of 4 stars; one submission).

Allele frequency attached by ClinVar (database versions not stated): gnomAD exomes below 0.00001.

Submission:

Labcorp Genetics (formerly Invitae), Labcorp
Classification: Uncertain significance. Last evaluated: 2022-08-09. Review status: criteria provided, single submitter. Criteria: Invitae Variant Classification Sherloc (09022015). Collection method: clinical testing. Allele origin: germline.
Comment: This variant has not been reported in the literature in individuals affected with COL18A1-related conditions. In summary, the available evidence is currently insufficient to determine the role of this variant in disease. Therefore, it has been classified as a Variant of Uncertain Significance. Experimental studies and prediction algorithms are not available or were not evaluated, and the functional significance of this variant is currently unknown. This variant is not present in population databases (gnomAD no frequency). This variant, c.3513_3515del, results in the deletion of 1 amino acid(s) of the COL18A1 protein (p.Leu1172del), but otherwise preserves the integrity of the reading frame.